The following is an entry in ClinVar:

NM_080605.4(B3GALT6):c.312G>C (p.Glu104Asp)

Gene: B3GALT6 (beta-1,3-galactosyltransferase 6; plus strand). Cytogenetic location: 1p36.33.
Variant type: single nucleotide variant.
Coding change: c.312G>C on transcript NM_080605.4 (MANE Select); coding-DNA position 312, G replaced by C.
Protein change: p.Glu104Asp; replaces glutamic acid 104 with aspartic acid.
Molecular consequence: missense variant.
Genome position (GRCh38, 1-based): chr1:1,232,590, G>C. VCF-style: chr1-1232590-G-C. GRCh37 (hg19) VCF-style: chr1-1167970-G-C.
Other names: short protein forms E104D.
Identifiers: ClinVar variation 1963197 (VCV001963197.4), dbSNP rs2521964517, ClinGen allele CA337824327.

ClinVar aggregate classification (germline): Uncertain significance (1 of 4 stars; one submission).

Conditions:
Ehlers-Danlos syndrome, spondylodysplastic type, 2 (EDSSPD2). Also called: Ehlers-Danlos syndrome, progeroid type, 2. Identifiers: Orphanet 536467, Orphanet 75496, MedGen C3809210, MONDO:0014139, OMIM 615349.
Spondyloepimetaphyseal dysplasia with joint laxity (SEMDJL). Identifiers: MedGen C0432243, MONDO:0019675.

Allele frequency attached by ClinVar (database versions not stated): gnomAD exomes below 0.00001.

Submission:

Labcorp Genetics (formerly Invitae), Labcorp
Classification: Uncertain significance for Ehlers-Danlos syndrome, spondylodysplastic type, 2; Spondyloepimetaphyseal dysplasia with joint laxity. Last evaluated: 2022-04-04. Review status: criteria provided, single submitter. Criteria: Invitae Variant Classification Sherloc (09022015). Collection method: clinical testing. Allele origin: germline.
Comment: In summary, the available evidence is currently insufficient to determine the role of this variant in disease. Therefore, it has been classified as a Variant of Uncertain Significance. Algorithms developed to predict the effect of missense changes on protein structure and function output the following: SIFT: "Tolerated"; PolyPhen-2: "Benign"; Align-GVGD: "Class C0". The aspartic acid amino acid residue is found in multiple mammalian species, which suggests that this missense change does not adversely affect protein function. This variant has not been reported in the literature in individuals affected with B3GALT6-related conditions. This variant is not present in population databases (gnomAD no frequency). This sequence change replaces glutamic acid, which is acidic and polar, with aspartic acid, which is acidic and polar, at codon 104 of the B3GALT6 protein (p.Glu104Asp).